The following is an entry in ClinVar:

NM_145045.5(ODAD3):c.1501G>A (p.Gly501Ser)

Gene: ODAD3 (outer dynein arm docking complex subunit 3; minus strand). Cytogenetic location: 19p13.2.
Variant type: single nucleotide variant.
Coding change: c.1501G>A on transcript NM_145045.5 (MANE Select); coding-DNA position 1501, G replaced by A.
Protein change: p.Gly501Ser; replaces glycine 501 with serine.
Molecular consequence: missense variant.
Genome position (GRCh38, 1-based): chr19:11,421,766, C>T on the plus strand (G>A on the coding strand, the complement: ODAD3 is on the minus strand). VCF-style: chr19-11421766-C-T. GRCh37 (hg19) VCF-style: chr19-11532434-C-T.
Other names: c.1339G>A, p.Gly447Ser (NM_001302453.1); c.1321G>A, p.Gly441Ser (NM_001302454.2); short protein forms G501S, G447S, G441S.
Identifiers: ClinVar variation 414140 (VCV000414140.17), dbSNP rs77133587, ClinGen allele CA9212009.
Genomic context (GRCh38, chr19:11,421,766, plus strand): 5'-CCTGCACGTCGTGGCCCTGGAGCTGCGCCTGCAGTTTCAGCAGCTTTTCCTCCACGAGGC[C>T]CAGCAGGTTTGGCACATAGTTATCTGCCTGGGGATCCAGCTCCTTTCCCGCGAAGCGGCC-3'
Protein context (NP_659482.3, residues 491-511): QADNYVPNLL[Gly501Ser]LVEEKLLKLQ

ClinVar aggregate classification (germline): Benign/Likely benign. Review status: criteria provided, multiple submitters, no conflicts (2 of 4 stars). 4 submissions from 4 submitters: Benign (1); Likely benign (3). Last evaluated 2026-02-01.

Conditions:
Primary ciliary dyskinesia 30. Also called: CILIARY DYSKINESIA, PRIMARY, 30, WITH OR WITHOUT SITUS INVERSUS. Identifiers: Orphanet 244, MedGen C4015016, MONDO:0014465, OMIM 616037.

Allele frequency attached by ClinVar (database versions not stated): gnomAD exomes 0.00194 and 0.00073; ExAC 0.00248; 1000 Genomes Project 0.00739; 1000 Genomes Project 30x 0.00812; gnomAD 0.00857 and 0.00924; ESP Exome Variant Server 0.00883; TOPMed 0.00938.
gnomAD v4.1: 2,436 of 1,613,418 alleles (0.15%); highest among the groups gnomAD compares: African/African-American, 2.9%; 40 homozygotes.

Submissions (4):

Labcorp Genetics (formerly Invitae), Labcorp
Classification: Benign for Primary ciliary dyskinesia 30. Last evaluated: 2026-02-01. Review status: criteria provided, single submitter. Criteria: Invitae Variant Classification Sherloc (09022015). Collection method: clinical testing. Allele origin: germline.

ARUP Laboratories, Molecular Genetics and Genomics, ARUP Laboratories
Classification: Likely benign for Primary ciliary dyskinesia 30. Last evaluated: 2023-08-30. Review status: criteria provided, single submitter. Criteria: ARUP Molecular Germline Variant Investigation Process 2024. Collection method: clinical testing. Allele origin: germline.

GeneDx
Classification: Likely benign. Last evaluated: 2023-08-11. Review status: criteria provided, single submitter. Criteria: GeneDx Variant Classification Process June 2021. Collection method: clinical testing. Allele origin: germline. Affected: yes.
Comment: See Variant Classification Assertion Criteria.

Breakthrough Genomics
Classification: Likely benign. Review status: criteria provided, single submitter. Criteria: ACMG Guidelines, 2015. Collection method: not provided. Allele origin: germline. Inheritance: Autosomal recessive inheritance. Affected: yes.